The following is an entry in ClinVar:

ClinVar aggregate classification (germline): Uncertain significance. Review status: criteria provided, multiple submitters, no conflicts (2 of 4 stars). 2 submissions from 2 submitters: Uncertain significance (2). Last evaluated 2022-11-18.

Conditions:
Angelman syndrome (AS). Also called: HAPPY PUPPET SYNDROME. Identifiers: Orphanet 72, MedGen C0162635, MONDO:0007113, OMIM 105830. Disease mechanism: loss of function. Inheritance: AS is caused by disruption of maternally imprinted UBE3A located within the 15q11.2-q13 Angelman syndrome/Prader-Willi syndrome (AS/PWS) region., imprinting disorder.

Allele frequency attached by ClinVar (database versions not stated): gnomAD exomes below 0.00001.
gnomAD v4.1: 3 of 1,613,710 alleles (0.00019%); highest among the groups gnomAD compares: Non-Finnish European, 0.00025%; no homozygotes.

Submissions (2):

GeneDx
Classification: Uncertain significance. Last evaluated: 2022-11-18. Review status: criteria provided, single submitter. Criteria: GeneDx Variant Classification Process June 2021. Collection method: clinical testing. Allele origin: germline. Affected: yes.
Comment: Not observed at significant frequency in large population cohorts (gnomAD); In silico analysis supports that this missense variant has a deleterious effect on protein structure/function; Has not been previously reported in an individual with a UBE3A-related disorder in the published literature.; Published functional studies demonstrate that the variant strongly increased UBE3A activity, however gain of function is not a known mechanism of disease (Weston et al., 2021); This variant is associated with the following publications: (PMID: 34815418)

Labcorp Genetics (formerly Invitae), Labcorp
Classification: Uncertain significance for Angelman syndrome. Last evaluated: 2018-02-06. Review status: criteria provided, single submitter. Criteria: Invitae Variant Classification Sherloc (09022015). Collection method: clinical testing. Allele origin: germline.
Comment: In summary, the available evidence is currently insufficient to determine the role of this variant in disease. Therefore, it has been classified as a Variant of Uncertain Significance. Algorithms developed to predict the effect of missense changes on protein structure and function do not agree on the potential impact of this missense change (SIFT: "Deleterious"; PolyPhen-2: "Probably Damaging"; Align-GVGD: "Class C0"). This variant has not been reported in the literature in individuals with UBE3A-related disease. This variant is not present in population databases (ExAC no frequency). This sequence change replaces glycine with serine at codon 755 of the UBE3A protein (p.Gly755Ser). The glycine residue is highly conserved and there is a small physicochemical difference between glycine and serine.

NM_130839.5(UBE3A):c.2323G>A (p.Gly775Ser)

Genes: SNHG14 (small nucleolar RNA host gene 14; plus strand), UBE3A (ubiquitin protein ligase E3A; minus strand). Cytogenetic location: 15q11.2.
Variant type: single nucleotide variant.
Coding change: c.2323G>A on transcript NM_130839.5 (MANE Select); coding-DNA position 2323, G replaced by A.
Protein change: p.Gly775Ser; replaces glycine 775 with serine.
Molecular consequence: missense variant. On other transcripts: non-coding transcript variant (1).
Genome position (GRCh38, 1-based): chr15:25,354,384, C>T on the plus strand (G>A on the coding strand, the complement: UBE3A is on the minus strand). VCF-style: chr15-25354384-C-T. GRCh37 (hg19) VCF-style: chr15-25599531-C-T.
Other names: c.2332G>A, p.Gly778Ser (NM_000462.5); c.2323G>A, p.Gly775Ser (NM_001354505.1, NM_001354538.2); c.2263G>A, p.Gly755Ser (NM_001354506.2, NM_001354507.2, NM_001354508.2 and 14 more transcripts); c.2167G>A, p.Gly723Ser (NM_001354545.2); c.2146G>A, p.Gly716Ser (NM_001354546.2); c.2107G>A, p.Gly703Ser (NM_001354547.2, NM_001354548.2); c.2098G>A, p.Gly700Ser (NM_001354549.2); c.1072G>A, p.Gly358Ser (NM_001354550.2); and 1 more; short protein forms G755S, G716S, G700S, G703S, G775S, G338S, G778S, G358S.
Identifiers: ClinVar variation 573464 (VCV000573464.8), dbSNP rs1566887391, ClinGen allele CA391351492.
Genomic context (GRCh38, chr15:25,354,384, plus strand): 5'-ATCTTCCTCTGAAGAACTAAGTACCTCACCTAATCAGAACAGAGTCCCTGGTATAGCCAC[C>T]GTCATATTCTGTAGTTTCTTCTAGTGCTTGGAAATCTAGATTCTGCAAATTCAAGAAAAT-3'
Protein context (NP_570854.1, residues 765-785): QALEETTEYD[Gly775Ser]GYTRDSVLIR